The following is an entry in ClinVar:

NM_021831.6(AGBL5):c.1875T>C (p.Asn625=)

Gene: AGBL5 (AGBL carboxypeptidase 5; plus strand). Cytogenetic location: 2p23.3.
Variant type: single nucleotide variant.
Coding change: c.1875T>C on transcript NM_021831.6 (MANE Select); coding-DNA position 1875, T replaced by C.
Protein change: p.Asn625=; no amino-acid change (asparagine 625 retained).
Molecular consequence: synonymous variant. On other transcripts: non-coding transcript variant (2).
Genome position (GRCh38, 1-based): chr2:27,059,190, T>C. VCF-style: chr2-27059190-T-C. GRCh37 (hg19) VCF-style: chr2-27282058-T-C.
Other names: c.1875T>C, p.Asn625= (NM_001035507.3).
Identifiers: ClinVar variation 1361345 (VCV001361345.8), dbSNP rs145410984, ClinGen allele CA1568000.

ClinVar aggregate classification (germline): Uncertain significance. Review status: criteria provided, multiple submitters, no conflicts (2 of 4 stars). 2 submissions from 2 submitters: Uncertain significance (2). Last evaluated 2022-03-10.

Allele frequency attached by ClinVar (database versions not stated): gnomAD exomes 0.00002 and 0.00006; TOPMed 0.00002; gnomAD 0.00003 and 0.00004; ExAC 0.00005; ESP Exome Variant Server 0.00023.
gnomAD v4.1: 112 of 1,612,048 alleles (0.0069%); highest among the groups gnomAD compares: Non-Finnish European, 0.008%; no homozygotes.

Submissions (2):

Labcorp Genetics (formerly Invitae), Labcorp
Classification: Uncertain significance. Last evaluated: 2022-03-10. Review status: criteria provided, single submitter. Criteria: Invitae Variant Classification Sherloc (09022015). Collection method: clinical testing. Allele origin: germline.
Comment: In summary, the available evidence is currently insufficient to determine the role of this variant in disease. Therefore, it has been classified as a Variant of Uncertain Significance. Algorithms developed to predict the effect of sequence changes on RNA splicing suggest that this variant is not likely to affect RNA splicing. This variant has not been reported in the literature in individuals affected with AGBL5-related conditions. This variant is present in population databases (rs145410984, gnomAD 0.005%). This sequence change affects codon 625 of the AGBL5 mRNA. It is a 'silent' change, meaning that it does not change the encoded amino acid sequence of the AGBL5 protein. It affects a nucleotide within the consensus splice site.

Breakthrough Genomics
Classification: Uncertain significance. Review status: criteria provided, single submitter. Criteria: ACMG Guidelines, 2015. Collection method: not provided. Allele origin: germline. Inheritance: Autosomal recessive inheritance. Affected: yes.